The following is an entry in ClinVar:

NM_201384.3(PLEC):c.2613-7C>G

Gene: PLEC (plectin; minus strand). Cytogenetic location: 8q24.3.
Variant type: single nucleotide variant.
Coding change: c.2613-7C>G on transcript NM_201384.3 (MANE Select); 7 bases into the intron before coding-DNA position 2613, C replaced by G.
Molecular consequence: intron variant.
Genome position (GRCh38, 1-based): chr8:143,930,069, G>C on the plus strand (C>G on the coding strand, the complement: PLEC is on the minus strand). VCF-style: chr8-143930069-G-C. GRCh37 (hg19) VCF-style: chr8-145004237-G-C.
Other names: c.2694-7C>G (NM_000445.5); c.2571-7C>G (NM_201378.4); c.2547-7C>G (NM_201379.3); c.3024-7C>G (NM_201380.4); c.2517-7C>G (NM_201381.3); c.2613-7C>G (NM_201382.4); c.2625-7C>G (NM_201383.3).
Identifiers: ClinVar variation 846794 (VCV000846794.8), dbSNP rs11990994, ClinGen allele CA586158455.
Genomic context (GRCh38, chr8:143,930,069, plus strand): 5'-TCCACGTGCAACTGGTGCCACAGCGTGACCAGGGCCTGGTGCTGGGCCTCCAGCCTGGCA[G>C]GTCAGGGCTACAGTCAGCGTCACCAGCGCCCCACCCGCCTTCCAGCCCCCACCTGCTGAG-3'

ClinVar aggregate classification (germline): Conflicting classifications of pathogenicity. Review status: criteria provided, conflicting classifications (1 of 4 stars). 3 submissions from 3 submitters: Uncertain significance (1); Likely benign (2). Last evaluated 2025-12-16.

Conditions:
PLEC-related disorder. Also called: PLEC-related condition; PLEC-related disorders.
Autosomal recessive limb-girdle muscular dystrophy type 2Q (LGMDR17). Also called: MUSCULAR DYSTROPHY, LIMB-GIRDLE, AUTOSOMAL RECESSIVE 17. Identifiers: Orphanet 254361, MedGen C3150989, MONDO:0013390, OMIM 613723.
Epidermolysis bullosa simplex, Ogna type (EBS5A). Also called: Pidermolysis bullosa simplex 5A, Ogna type; EPIDERMOLYSIS BULLOSA SIMPLEX 5A, OGNA TYPE. Identifiers: Orphanet 79401, MedGen C0432317, MONDO:0007555, OMIM 131950.
Epidermolysis bullosa simplex with nail dystrophy (EBS5D). Identifiers: MedGen C4225309, MONDO:0014661, OMIM 616487.
Epidermolysis bullosa simplex 5C, with pyloric atresia (EBS5C). Also called: PLEC-Related Epidermolysis Bullosa with Pyloric Atresia; Epidermolysis bullosa simplex with pyloric atresia; PLEC1-Related Epidermolysis Bullosa with Pyloric Atresia. Identifiers: Orphanet 158684, MedGen C2677349, MONDO:0012807, OMIM 612138.
Epidermolysis bullosa simplex 5B, with muscular dystrophy (EBS5B). Also called: EPIDERMOLYSIS BULLOSA SIMPLEX AND LIMB-GIRDLE MUSCULAR DYSTROPHY; Epidermolysis bullosa simplex with muscular dystrophy. Identifiers: Orphanet 257, MedGen C2931072, MONDO:0009181, OMIM 226670.

gnomAD v4.1: 4 of 1,609,706 alleles (0.00025%); highest among the groups gnomAD compares: East Asian, 0.0067%; no homozygotes.

Submissions (3):

PreventionGenetics, part of Exact Sciences
Classification: Likely benign for PLEC-related condition. Last evaluated: 2025-12-16. Review status: criteria provided, single submitter. Criteria: ACMG Guidelines, 2015. Collection method: clinical testing. Allele origin: germline.
Comment: This variant is classified as likely benign based on ACMG/AMP sequence variant interpretation guidelines (Richards et al. 2015 PMID: 25741868, with internal and published modifications).

Labcorp Genetics (formerly Invitae), Labcorp
Classification: Likely benign for Autosomal recessive limb-girdle muscular dystrophy type 2Q; Epidermolysis bullosa simplex, Ogna type; Epidermolysis bullosa simplex with nail dystrophy; Epidermolysis bullosa simplex 5C, with pyloric atresia; Epidermolysis bullosa simplex 5B, with muscular dystrophy. Last evaluated: 2024-12-09. Review status: criteria provided, single submitter. Criteria: Invitae Variant Classification Sherloc (09022015). Collection method: clinical testing. Allele origin: germline.

Revvity Omics, Revvity
Classification: Uncertain significance. Last evaluated: 2024-06-13. Review status: criteria provided, single submitter. Criteria: ACMG Guidelines, 2015. Collection method: clinical testing. Allele origin: germline.